The following is an entry in ClinVar:

NM_016373.4(WWOX):c.682A>C (p.Thr228Pro)

Gene: WWOX (WW domain containing oxidoreductase; plus strand). Cytogenetic location: 16q23.1.
Variant type: single nucleotide variant.
Coding change: c.682A>C on transcript NM_016373.4 (MANE Select); coding-DNA position 682, A replaced by C.
Protein change: p.Thr228Pro; replaces threonine 228 with proline.
Molecular consequence: missense variant.
Genome position (GRCh38, 1-based): chr16:78,424,946, A>C. VCF-style: chr16-78424946-A-C. GRCh37 (hg19) VCF-style: chr16-78458843-A-C.
Other names: c.343A>C, p.Thr115Pro (NM_001291997.2); short protein forms T228P, T115P.
Identifiers: ClinVar variation 574721 (VCV000574721.7), dbSNP rs1567565338, ClinGen allele CA396842810.

ClinVar aggregate classification (germline): Uncertain significance (1 of 4 stars; one submission).

Conditions:
Developmental and epileptic encephalopathy, 1 (DEE1). Also called: X-linked infantile spasms; West's syndrome; Tonic spasms with clustering, arrest of psychomotor development and hypsarrhythmia on EEG; X-Linked Infantile Spasm Syndrome; OHTAHARA SYNDROME, X-LINKED; INFANTILE SPASM SYNDROME, X-LINKED 1. Identifiers: MedGen C3463992, MONDO:0010632, OMIM 308350. Disease mechanism: loss of function.
Autosomal recessive spinocerebellar ataxia 12. Also called: SPINOCEREBELLAR ATAXIA WITH MENTAL RETARDATION AND EPILEPSY. Identifiers: Orphanet 284282, MedGen C3280452, MONDO:0013687, OMIM 614322.

Submission:

Labcorp Genetics (formerly Invitae), Labcorp
Classification: Uncertain significance for Developmental and epileptic encephalopathy, 1; Autosomal recessive spinocerebellar ataxia 12. Last evaluated: 2018-06-19. Review status: criteria provided, single submitter. Criteria: Invitae Variant Classification Sherloc (09022015). Collection method: clinical testing. Allele origin: germline.
Comment: In summary, the available evidence is currently insufficient to determine the role of this variant in disease. Therefore, it has been classified as a Variant of Uncertain Significance. Algorithms developed to predict the effect of missense changes on protein structure and function are either unavailable or do not agree on the potential impact of this missense change (SIFT: "Deleterious"; PolyPhen-2: "Probably Damaging"; Align-GVGD: "Class C0"). This variant has not been reported in the literature in individuals with WWOX-related disease. This variant is not present in population databases (ExAC no frequency). This sequence change replaces threonine with proline at codon 228 of the WWOX protein (p.Thr228Pro). The threonine residue is moderately conserved and there is a small physicochemical difference between threonine and proline.